The following is an entry in ClinVar:

ClinVar aggregate classification (germline): Uncertain significance (1 of 4 stars; one submission).

gnomAD v4.1: 4 of 1,614,120 alleles (0.00025%); highest among the groups gnomAD compares: Non-Finnish European, 0.00034%; no homozygotes.

Submission:

GeneDx
Classification: Uncertain significance. Last evaluated: 2025-03-24. Review status: criteria provided, single submitter. Criteria: GeneDx Variant Classification Process June 2021. Collection method: clinical testing. Allele origin: germline. Affected: yes.
Comment: In silico analysis indicates that this missense variant does not alter protein structure/function; Has not been previously published as pathogenic or benign to our knowledge

NM_000552.5(VWF):c.2275C>T (p.His759Tyr)

Gene: VWF (von Willebrand factor; minus strand). Cytogenetic location: 12p13.31.
Variant type: single nucleotide variant.
Coding change: c.2275C>T on transcript NM_000552.5 (MANE Select); coding-DNA position 2275, C replaced by T.
Protein change: p.His759Tyr; replaces histidine 759 with tyrosine.
Molecular consequence: missense variant.
Genome position (GRCh38, 1-based): chr12:6,046,729, G>A on the plus strand (C>T on the coding strand, the complement: VWF is on the minus strand). VCF-style: chr12-6046729-G-A. GRCh37 (hg19) VCF-style: chr12-6155895-G-A.
Other names: short protein forms H759Y.
Identifiers: ClinVar variation 4087848 (VCV004087848.1).